The following is an entry in ClinVar:

NM_178140.4(PDZD2):c.4338G>C (p.Thr1446=)

Gene: PDZD2 (PDZ domain containing 2; plus strand). Cytogenetic location: 5p13.3.
Variant type: single nucleotide variant.
Coding change: c.4338G>C on transcript NM_178140.4 (MANE Select); coding-DNA position 4338, G replaced by C.
Protein change: p.Thr1446=; no amino-acid change (threonine 1446 retained).
Molecular consequence: synonymous variant.
Genome position (GRCh38, 1-based): chr5:32,087,786, G>C. VCF-style: chr5-32087786-G-C. GRCh37 (hg19) VCF-style: chr5-32087892-G-C.
Identifiers: ClinVar variation 3039343 (VCV003039343.2), dbSNP rs72743803, ClinGen allele CA3219698.
Genomic context (GRCh38, chr5:32,087,786, plus strand): 5'-CATTGACAGCTTCATCAAGGAGCTGGATGCTTCTGCAGCAAGGTCTCCGTCTTCCCAGAC[G>C]GGGGACAGTGGCTCTCAGGAGGGCAGTGCTCAGGGCCACCCACCAGCCGGGGCTGGAGGT-3'
Protein context (NP_835260.2, residues 1436-1456): ASAARSPSSQ[Thr1446=]GDSGSQEGSA

ClinVar aggregate classification (germline): Likely benign (0 of 4 stars; one submission).

Conditions:
PDZD2-related disorder. Also called: PDZD2-related condition.

Allele frequency attached by ClinVar (database versions not stated): 1000 Genomes Project 0.00060; 1000 Genomes Project 30x 0.00078; ESP Exome Variant Server 0.00085.
gnomAD v4.1: 1,273 of 1,613,710 alleles (0.079%); highest among the groups gnomAD compares: Admixed American, 0.11%; 1 homozygote.

Submission:

PreventionGenetics, part of Exact Sciences
Classification: Likely benign for PDZD2-related condition. Last evaluated: 2019-04-16. Review status: no assertion criteria provided. Collection method: clinical testing. Allele origin: germline.
Comment: This variant is classified as likely benign based on ACMG/AMP sequence variant interpretation guidelines (Richards et al. 2015 PMID: 25741868, with internal and published modifications).